The following is an entry in ClinVar:

NM_021625.5(TRPV4):c.1919C>T (p.Ala640Val)

Gene: TRPV4 (transient receptor potential cation channel subfamily V member 4; minus strand). Cytogenetic location: 12q24.11.
Variant type: single nucleotide variant.
Coding change: c.1919C>T on transcript NM_021625.5 (MANE Select); coding-DNA position 1919, C replaced by T.
Protein change: p.Ala640Val; replaces alanine 640 with valine.
Molecular consequence: missense variant.
Genome position (GRCh38, 1-based): chr12:109,788,689, G>A on the plus strand (C>T on the coding strand, the complement: TRPV4 is on the minus strand). VCF-style: chr12-109788689-G-A. GRCh37 (hg19) VCF-style: chr12-110226494-G-A.
Other names: c.1778C>T, p.Ala593Val (NM_001177428.2); c.1817C>T, p.Ala606Val (NM_001177431.2); c.1598C>T, p.Ala533Val (NM_001177433.2); c.1739C>T, p.Ala580Val (NM_147204.3); short protein forms A593V, A606V, A640V, A533V, A580V.
Identifiers: ClinVar variation 1782619 (VCV001782619.8), dbSNP rs2548718815, ClinGen allele CA386651143.

ClinVar aggregate classification (germline): Uncertain significance. Review status: criteria provided, multiple submitters, no conflicts (2 of 4 stars). 3 submissions from 3 submitters: Uncertain significance (3). Last evaluated 2024-01-30.

Conditions:
Brachyrachia (short spine dysplasia) (BCYM3). Also called: Brachyolmia, TRPV4-Related; Autosomal dominant brachyolmia; BRACHYRACHIA; Brachyolmia Type 3. Identifiers: Orphanet 93304, MedGen C0432227, MONDO:0007232, OMIM 113500.
Familial digital arthropathy-brachydactyly. Identifiers: Orphanet 85169, MedGen C1847406, MONDO:0011732, OMIM 606835.
Parastremmatic dwarfism. Identifiers: Orphanet 2646, MedGen C1868616, MONDO:0008196, OMIM 168400.
Scapuloperoneal spinal muscular atrophy (SPSMA). Also called: Scapuloperoneal Spinal Muscular Atrophy, TRPV4-Related; AMYOTROPHY, NEUROGENIC SCAPULOPERONEAL, NEW ENGLAND TYPE; Scapuloperoneal spinal muscular atrophy, autosomal dominant; Scapuloperoneal Form of Spinal Muscular Atrophy. Identifiers: Orphanet 431255, MedGen C0751335, MONDO:0008408, OMIM 181405.
Sodium serum level quantitative trait locus 1 (SSQTL1). Identifiers: MedGen C3150755, OMIM 613508.
Metatropic dysplasia (MTD). Also called: Metatropic Dysplasia, TRPV4-Related; METATROPIC DWARFISM; Metatropic dysplasia, nonlethal dominant. Identifiers: Orphanet 2635, MedGen C0265281, MONDO:0007986, OMIM 156530.
Charcot-Marie-Tooth disease axonal type 2C (HMSN2C). Also called: Charcot-Marie-Tooth Disease Type 2, TRPV4-Related (CMT2C); CHARCOT-MARIE-TOOTH DISEASE, AXONAL, AUTOSOMAL DOMINANT, TYPE 2C; Charcot-Marie-Tooth Neuropathy Type 2C. Identifiers: Orphanet 99937, MedGen C1853710, MONDO:0011633, OMIM 606071.
Spondylometaphyseal dysplasia, Kozlowski type (SMDK). Also called: Spondylometaphyseal Dysplasia, TRPV4-Related (Kozlowski Type); Dysmorphism arthrogryposis skeletal maturation advanced; Jequier-Kozlowski syndrome; Skeletal dysplasia Jequier-Kozlowski type; SMD Kozlowski type. Identifiers: Orphanet 93314, MedGen C0265280, MONDO:0008477, OMIM 184252.
Spondyloepimetaphyseal dysplasia, Maroteaux type (SEDM). Also called: Spondyloepimetaphyseal Dysplasia, TRPV4-Related (Maroteaux Type); SED, MAROTEAUX TYPE; PSEUDO-MORQUIO SYNDROME, TYPE 2. Identifiers: Orphanet 263482, MedGen C3159322, MONDO:0008473, OMIM 184095.
Avascular necrosis of femoral head, primary, 2 (ANFH2). Identifiers: MedGen C4479260, MONDO:0054551, OMIM 617383.
Neuronopathy, distal hereditary motor, autosomal dominant 8. Also called: NEURONOPATHY, DISTAL HEREDITARY MOTOR, TYPE VIII; NEUROPATHY, DISTAL HEREDITARY MOTOR, TYPE VIII; Autosomal dominant congenital benign spinal muscular atrophy; SPINAL MUSCULAR ATROPHY, CONGENITAL BENIGN, WITH CONTRACTURES. Identifiers: Orphanet 1216, MedGen C1838492, MONDO:0010839, OMIM 600175.
Inborn genetic diseases. Identifiers: MedGen C0950123, MeSH D030342.

Submissions (3):

Fulgent Genetics
Classification: Uncertain significance for Brachyrachia (short spine dysplasia); Metatropic dysplasia; Parastremmatic dwarfism; Scapuloperoneal spinal muscular atrophy; Spondyloepimetaphyseal dysplasia, Maroteaux type; Spondylometaphyseal dysplasia, Kozlowski type; Neuronopathy, distal hereditary motor, autosomal dominant 8; Charcot-Marie-Tooth disease axonal type 2C; Familial digital arthropathy-brachydactyly; Sodium serum level quantitative trait locus 1; Avascular necrosis of femoral head, primary, 2. Last evaluated: 2024-01-30. Review status: criteria provided, single submitter. Criteria: ACMG Guidelines, 2015. Collection method: clinical testing. Allele origin: germline.

Labcorp Genetics (formerly Invitae), Labcorp
Classification: Uncertain significance for Charcot-Marie-Tooth disease axonal type 2C. Last evaluated: 2022-09-01. Review status: criteria provided, single submitter. Criteria: Invitae Variant Classification Sherloc (09022015). Collection method: clinical testing. Allele origin: germline.
Comment: In summary, the available evidence is currently insufficient to determine the role of this variant in disease. Therefore, it has been classified as a Variant of Uncertain Significance. Advanced modeling of protein sequence and biophysical properties (such as structural, functional, and spatial information, amino acid conservation, physicochemical variation, residue mobility, and thermodynamic stability) performed at Invitae indicates that this missense variant is not expected to disrupt TRPV4 protein function. This variant has not been reported in the literature in individuals affected with TRPV4-related conditions. This variant is not present in population databases (gnomAD no frequency). This sequence change replaces alanine, which is neutral and non-polar, with valine, which is neutral and non-polar, at codon 640 of the TRPV4 protein (p.Ala640Val).

Ambry Genetics
Classification: Uncertain significance for Inborn genetic diseases. Last evaluated: 2022-04-07. Review status: criteria provided, single submitter. Criteria: Ambry Variant Classification Scheme 2023. Collection method: clinical testing. Allele origin: germline.
Comment: The p.A640V variant (also known as c.1919C>T), located in coding exon 12 of the TRPV4 gene, results from a C to T substitution at nucleotide position 1919. The alanine at codon 640 is replaced by valine, an amino acid with similar properties. This amino acid position is conserved. In addition, the in silico prediction for this alteration is inconclusive. Since supporting evidence is limited at this time, the clinical significance of this alteration remains unclear.